The following is an entry in ClinVar:

ClinVar aggregate classification (germline): Uncertain significance (1 of 4 stars; one submission).

Conditions:
Hypertrophic cardiomyopathy. Also called: HYPERTROPHIC MYOCARDIOPATHY. Identifiers: Orphanet 217569, MedGen C0007194, MeSH D002312, MONDO:0005045, HP:0001639.

Allele frequency attached by ClinVar (database versions not stated): gnomAD exomes below 0.00001.
gnomAD v4.1: 1 of 1,594,438 alleles (0.000063%); highest among the groups gnomAD compares: Non-Finnish European, 0.000085%; no homozygotes.

Submission:

Labcorp Genetics (formerly Invitae), Labcorp
Classification: Uncertain significance for Hypertrophic cardiomyopathy. Last evaluated: 2025-04-14. Review status: criteria provided, single submitter. Criteria: Invitae Variant Classification Sherloc (09022015). Collection method: clinical testing. Allele origin: germline.
Comment: This sequence change replaces proline, which is neutral and non-polar, with leucine, which is neutral and non-polar, at codon 33 of the TNNI3 protein (p.Pro33Leu). This variant is not present in population databases (gnomAD no frequency). This variant has not been reported in the literature in individuals affected with TNNI3-related conditions. ClinVar contains an entry for this variant (Variation ID: 1449358). An algorithm developed to predict the effect of missense changes on protein structure and function (PolyPhen-2) suggests that this variant is likely to be disruptive. In summary, the available evidence is currently insufficient to determine the role of this variant in disease. Therefore, it has been classified as a Variant of Uncertain Significance.

NM_000363.5(TNNI3):c.98C>T (p.Pro33Leu)

Gene: TNNI3 (troponin I3, cardiac type; minus strand). Cytogenetic location: 19q13.42.
Variant type: single nucleotide variant.
Coding change: c.98C>T on transcript NM_000363.5 (MANE Select); coding-DNA position 98, C replaced by T.
Protein change: p.Pro33Leu; replaces proline 33 with leucine.
Molecular consequence: missense variant.
Genome position (GRCh38, 1-based): chr19:55,157,060, G>A on the plus strand (C>T on the coding strand, the complement: TNNI3 is on the minus strand). VCF-style: chr19-55157060-G-A. GRCh37 (hg19) VCF-style: chr19-55668428-G-A.
Other names: short protein forms P33L.
Identifiers: ClinVar variation 1449358 (VCV001449358.9), dbSNP rs2147285907, ClinGen allele CA407442871.